The following is an entry in ClinVar:

ClinVar aggregate classification (germline): Likely pathogenic (1 of 4 stars; one submission).

Conditions:
Nephronophthisis 15 (NPHP15). Identifiers: Orphanet 3156, MedGen C3541853, MONDO:0013917, OMIM 614845.

Allele frequency attached by ClinVar (database versions not stated): TOPMed below 0.00001.

Submission:

Labcorp Genetics (formerly Invitae), Labcorp
Classification: Likely pathogenic for Nephronophthisis 15. Last evaluated: 2021-12-13. Review status: criteria provided, single submitter. Criteria: Invitae Variant Classification Sherloc (09022015). Collection method: clinical testing. Allele origin: germline.
Comment: This sequence change affects a donor splice site in intron 17 of the CEP164 gene. It is expected to disrupt RNA splicing. Variants that disrupt the donor or acceptor splice site typically lead to a loss of protein function (PMID: 16199547), and loss-of-function variants in CEP164 are known to be pathogenic (PMID: 22863007, 28125082, 32367404, 34132027, 34499853). This variant is not present in population databases (gnomAD no frequency). This variant has not been reported in the literature in individuals affected with CEP164-related conditions. ClinVar contains an entry for this variant (Variation ID: 851066). Algorithms developed to predict the effect of sequence changes on RNA splicing suggest that this variant may disrupt the consensus splice site. In summary, the currently available evidence indicates that the variant is pathogenic, but additional data are needed to prove that conclusively. Therefore, this variant has been classified as Likely Pathogenic.

Literature cited by the submitters: PubMed 16199547; PubMed 22863007; PubMed 28125082; PubMed 32367404; PubMed 34132027; PubMed 34499853.

NM_014956.5(CEP164):c.2283+2T>C

Gene: CEP164 (centrosomal protein 164; plus strand). Cytogenetic location: 11q23.3.
Variant type: single nucleotide variant.
Coding change: c.2283+2T>C on transcript NM_014956.5 (MANE Select); the canonical splice donor site of the intron after coding-DNA position 2283, T replaced by C.
Molecular consequence: splice donor variant.
Genome position (GRCh38, 1-based): chr11:117,391,217, T>C. VCF-style: chr11-117391217-T-C. GRCh37 (hg19) VCF-style: chr11-117261933-T-C.
Other names: c.2292+2T>C (NM_001271933.2).
Identifiers: ClinVar variation 851066 (VCV000851066.8), dbSNP rs1459158279, ClinGen allele CA382723850.